The following is an entry in ClinVar:

NM_000742.4(CHRNA2):c.*602T>C

Gene: CHRNA2 (cholinergic receptor nicotinic alpha 2 subunit; minus strand). Cytogenetic location: 8p21.2.
Variant type: single nucleotide variant.
Coding change: c.*602T>C on transcript NM_000742.4 (MANE Select); 602 bases downstream of the stop codon, T replaced by C.
Molecular consequence: 3 prime UTR variant.
Genome position (GRCh38, 1-based): chr8:27,461,027, A>G on the plus strand (T>C on the coding strand, the complement: CHRNA2 is on the minus strand). VCF-style: chr8-27461027-A-G. GRCh37 (hg19) VCF-style: chr8-27318544-A-G.
Other names: c.*602T>C (NM_001282455.2, NM_001347705.2, NM_001347706.2 and 2 more transcripts).
Identifiers: ClinVar variation 362685 (VCV000362685.6), dbSNP rs2292976, ClinGen allele CA10630806.
Genomic context (GRCh38, chr8:27,461,027, plus strand): 5'-AAGATCTGCCCTGTACCTCCACATCAGGTGCAGGCCCTGCCTCCCGCTTCCTCCCCTTCC[A>G]GAAGAGCCCTTATTACTCCCCTGCTGGACCATACAGCTCAGCACCCTGCAAACTCGGACA-3'

ClinVar aggregate classification (germline): Benign. Review status: criteria provided, multiple submitters, no conflicts (2 of 4 stars). 2 submissions from 2 submitters: Benign (2). Last evaluated 2018-01-13.

Conditions:
Autosomal dominant nocturnal frontal lobe epilepsy 4. Also called: EPILEPSY, FAMILIAL, WITH NOCTURNAL WANDERING AND ICTAL FEAR; CHRNA2-Related Nocturnal Frontal Lobe Epilepsy, Autosomal Dominant. Identifiers: Orphanet 98784, MedGen C1835905, MONDO:0012474, OMIM 610353.

Allele frequency attached by ClinVar (database versions not stated): 1000 Genomes Project 0.78674; 1000 Genomes Project 30x 0.78888; gnomAD exomes 0.83683; gnomAD 0.84789 and 0.85227; TOPMed 0.84961.
gnomAD v4.1: 131,025 of 154,438 alleles (85%); highest among the groups gnomAD compares: Middle Eastern, 94%; 55,981 homozygotes.

Submissions (2):

Illumina Laboratory Services, Illumina
Classification: Benign for Autosomal dominant nocturnal frontal lobe epilepsy 4. Last evaluated: 2018-01-13. Review status: criteria provided, single submitter. Criteria: ICSL Variant Classification Criteria 13 December 2019. Collection method: clinical testing. Allele origin: germline.
Comment: This variant was observed in the ICSL laboratory as part of a predisposition screen in an ostensibly healthy population. It had not been previously curated by ICSL or reported in the Human Gene Mutation Database (HGMD: prior to June 1st, 2018), and was therefore a candidate for classification through an automated scoring system. Utilizing variant allele frequency, disease prevalence and penetrance estimates, and inheritance mode, an automated score was calculated to assess if this variant is too frequent to cause the disease. Based on the score and internal cut-off values, a variant classified as benign is not then subjected to further curation. The score for this variant resulted in a classification of benign for this disease.

Breakthrough Genomics
Classification: Benign. Review status: criteria provided, single submitter. Criteria: ACMG Guidelines, 2015. Collection method: not provided. Allele origin: germline. Inheritance: Autosomal dominant inheritance. Affected: yes.